The following is an entry in ClinVar:

NM_014991.6(WDFY3):c.4265C>T (p.Ser1422Phe)

Gene: WDFY3 (WD repeat and FYVE domain containing 3; minus strand). Cytogenetic location: 4q21.23.
Variant type: single nucleotide variant.
Coding change: c.4265C>T on transcript NM_014991.6 (MANE Select); coding-DNA position 4265, C replaced by T.
Protein change: p.Ser1422Phe; replaces serine 1422 with phenylalanine.
Molecular consequence: missense variant.
Genome position (GRCh38, 1-based): chr4:84,780,208, G>A on the plus strand (C>T on the coding strand, the complement: WDFY3 is on the minus strand). VCF-style: chr4-84780208-G-A. GRCh37 (hg19) VCF-style: chr4-85701361-G-A.
Other names: short protein forms S1422F.
Identifiers: ClinVar variation 4884818 (VCV004884818.1).

ClinVar aggregate classification (germline): Uncertain significance (0 of 4 stars; one submission).

Conditions:
Microcephaly 18, primary, autosomal dominant (MCPH18). Identifiers: MedGen C4479608, MONDO:0054593, OMIM 617520.

Submission:

Hong-Tao Li Lab, Institute of Brain Science and Brain-inspired Research, Shandong First Medical University & Shandong Academy of Medical Sciences China
Classification: Uncertain significance for Microcephaly 18, primary, autosomal dominant. Review status: no assertion criteria provided. Collection method: research. Allele origin: germline. Inheritance: Autosomal dominant inheritance. Affected: yes. Observed: 1 variant allele, 1 heterozygote.
Comment: Observed in affected individuals from a Pakistani neurodevelopmental-disorder research cohort of 263 individuals. Classification assigned using the ACMG/AMP framework. Population-frequency evidence: gnomAD AF 3.983e-05.